The following is an entry in ClinVar:

NM_004369.4(COL6A3):c.6598T>G (p.Phe2200Val)

Gene: COL6A3 (collagen type VI alpha 3 chain; minus strand). Cytogenetic location: 2q37.3.
Variant type: single nucleotide variant.
Coding change: c.6598T>G on transcript NM_004369.4 (MANE Select); coding-DNA position 6598, T replaced by G.
Protein change: p.Phe2200Val; replaces phenylalanine 2200 with valine.
Molecular consequence: missense variant.
Genome position (GRCh38, 1-based): chr2:237,354,928, A>C on the plus strand (T>G on the coding strand, the complement: COL6A3 is on the minus strand). VCF-style: chr2-237354928-A-C. GRCh37 (hg19) VCF-style: chr2-238263571-A-C.
Other names: c.4777T>G, p.Phe1593Val (NM_057166.5); c.5980T>G, p.Phe1994Val (NM_057167.4); short protein forms F1593V, F1994V, F2200V.
Identifiers: ClinVar variation 3372705 (VCV003372705.1).

ClinVar aggregate classification (germline): Uncertain significance (1 of 4 stars; one submission).

gnomAD v4.1: 4 of 1,613,876 alleles (0.00025%); highest among the groups gnomAD compares: Non-Finnish European, 0.00034%; no homozygotes.

Submission:

GeneDx
Classification: Uncertain significance. Last evaluated: 2024-04-21. Review status: criteria provided, single submitter. Criteria: GeneDx Variant Classification Process June 2021. Collection method: clinical testing. Allele origin: germline. Affected: yes.
Comment: Not observed at significant frequency in large population cohorts (gnomAD); In silico analysis indicates that this missense variant does not alter protein structure/function; Has not been previously published as pathogenic or benign to our knowledge